The following is an entry in ClinVar:

NM_001298.3(CNGA3):c.908T>C (p.Ile303Thr)

Gene: CNGA3 (cyclic nucleotide gated channel subunit alpha 3; plus strand). Cytogenetic location: 2q11.2.
Variant type: single nucleotide variant.
Coding change: c.908T>C on transcript NM_001298.3 (MANE Select); coding-DNA position 908, T replaced by C.
Protein change: p.Ile303Thr; replaces isoleucine 303 with threonine.
Molecular consequence: missense variant.
Genome position (GRCh38, 1-based): chr2:98,396,078, T>C. VCF-style: chr2-98396078-T-C. GRCh37 (hg19) VCF-style: chr2-99012541-T-C.
Other names: c.854T>C, p.Ile285Thr (NM_001079878.2); short protein forms I285T, I303T.
Identifiers: ClinVar variation 1008206 (VCV001008206.9), dbSNP rs141718590, ClinGen allele CA1793919.

ClinVar aggregate classification (germline): Uncertain significance. Review status: criteria provided, multiple submitters, no conflicts (2 of 4 stars). 2 submissions from 2 submitters: Uncertain significance (2). Last evaluated 2022-11-08.

Allele frequency attached by ClinVar (database versions not stated): gnomAD exomes below 0.00001 and 0.00002; ExAC 0.00002; ESP Exome Variant Server 0.00008; TOPMed 0.00008; gnomAD 0.00009 and 0.00010; 1000 Genomes Project 0.00060; 1000 Genomes Project 30x 0.00078.
gnomAD v4.1: 23 of 1,614,220 alleles (0.0014%); highest among the groups gnomAD compares: African/African-American, 0.023%; no homozygotes.

Submissions (2):

Labcorp Genetics (formerly Invitae), Labcorp
Classification: Uncertain significance. Last evaluated: 2022-11-08. Review status: criteria provided, single submitter. Criteria: Invitae Variant Classification Sherloc (09022015). Collection method: clinical testing. Allele origin: germline.
Comment: This variant has not been reported in the literature in individuals affected with CNGA3-related conditions. This sequence change replaces isoleucine, which is neutral and non-polar, with threonine, which is neutral and polar, at codon 303 of the CNGA3 protein (p.Ile303Thr). This variant is present in population databases (rs141718590, gnomAD 0.03%). ClinVar contains an entry for this variant (Variation ID: 1008206). Advanced modeling of protein sequence and biophysical properties (such as structural, functional, and spatial information, amino acid conservation, physicochemical variation, residue mobility, and thermodynamic stability) performed at Invitae indicates that this missense variant is expected to disrupt CNGA3 protein function. In summary, the available evidence is currently insufficient to determine the role of this variant in disease. Therefore, it has been classified as a Variant of Uncertain Significance.

Blueprint Genetics
Classification: Uncertain significance. Last evaluated: 2019-08-28. Review status: criteria provided, single submitter. Criteria: ACMG Guidelines, 2015. Collection method: clinical testing. Allele origin: germline.